The following is an entry in ClinVar:

ClinVar aggregate classification (germline): Benign/Likely benign. Review status: criteria provided, multiple submitters, no conflicts (2 of 4 stars). 4 submissions from 3 submitters: Benign (3); Likely benign (1). Last evaluated 2025-12-21.

Conditions:
Brain small vessel disease 1 with or without ocular anomalies (BSVD1). Also called: PORENCEPHALY, TYPE 1, AUTOSOMAL DOMINANT; Brain small vessel disease with or without ocular anomalies; GOULD SYNDROME 1; BRAIN SMALL VESSEL DISEASE WITH HEMORRHAGE. Identifiers: Orphanet 2940, Orphanet 36383, Orphanet 99810, MedGen C4755307, MONDO:0008289, OMIM 175780.
Autosomal dominant familial hematuria-retinal arteriolar tortuosity-contractures syndrome. Also called: Hereditary Angiopathy with Nephropathy, Aneurysms, and Muscle Cramps (HANAC) Syndrome; Angiopathy, hereditary, with nephropathy, aneurysms, and muscle cramps. Identifiers: Orphanet 73229, MedGen C2673195, MONDO:0012726, OMIM 611773.

Allele frequency attached by ClinVar (database versions not stated): ESP Exome Variant Server 0.00008; ExAC 0.00016; gnomAD exomes 0.00021 and 0.00025; gnomAD 0.00025; TOPMed 0.00032.
gnomAD v4.1: 401 of 1,612,912 alleles (0.025%); highest among the groups gnomAD compares: Middle Eastern, 0.05%; no homozygotes.

Submissions (4):

Labcorp Genetics (formerly Invitae), Labcorp
Classification: Benign. Last evaluated: 2025-12-21. Review status: criteria provided, single submitter. Criteria: Invitae Variant Classification Sherloc (09022015). Collection method: clinical testing. Allele origin: germline.

Blueprint Genetics
Classification: Likely benign. Last evaluated: 2024-09-03. Review status: criteria provided, single submitter. Criteria: ACMG Guidelines, 2015. Collection method: clinical testing. Allele origin: germline.

Illumina Laboratory Services, Illumina
Classification: Benign for Autosomal dominant familial hematuria-retinal arteriolar tortuosity-contractures syndrome. Last evaluated: 2018-01-12. Review status: criteria provided, single submitter. Criteria: ICSL Variant Classification Criteria 13 December 2019. Collection method: clinical testing. Allele origin: germline.
Comment: This variant was observed in the ICSL laboratory as part of a predisposition screen in an ostensibly healthy population. It had not been previously curated by ICSL or reported in the Human Gene Mutation Database (HGMD: prior to June 1st, 2018), and was therefore a candidate for classification through an automated scoring system. Utilizing variant allele frequency, disease prevalence and penetrance estimates, and inheritance mode, an automated score was calculated to assess if this variant is too frequent to cause the disease. Based on the score and internal cut-off values, a variant classified as benign is not then subjected to further curation. The score for this variant resulted in a classification of benign for this disease.

Illumina Laboratory Services, Illumina
Classification: Benign for Brain small vessel disease 1 with or without ocular anomalies. Last evaluated: 2018-01-12. Review status: criteria provided, single submitter. Criteria: ICSL Variant Classification Criteria 13 December 2019. Collection method: clinical testing. Allele origin: germline.
Comment: the same text as in the submission from Illumina Laboratory Services, Illumina above.

NM_001845.6(COL4A1):c.2007C>T (p.Pro669=)

Gene: COL4A1 (collagen type IV alpha 1 chain; minus strand). Cytogenetic location: 13q34.
Variant type: single nucleotide variant.
Coding change: c.2007C>T on transcript NM_001845.6 (MANE Select); coding-DNA position 2007, C replaced by T.
Protein change: p.Pro669=; no amino-acid change (proline 669 retained).
Molecular consequence: synonymous variant.
Genome position (GRCh38, 1-based): chr13:110,183,081, G>A on the plus strand (C>T on the coding strand, the complement: COL4A1 is on the minus strand). VCF-style: chr13-110183081-G-A. GRCh37 (hg19) VCF-style: chr13-110835428-G-A.
Identifiers: ClinVar variation 311060 (VCV000311060.17), dbSNP rs145645897, ClinGen allele CA7047743.